The following is an entry in ClinVar:

NM_206933.4(USH2A):c.12765G>C (p.Val4255=)

Gene: USH2A (usherin; minus strand). Cytogenetic location: 1q41.
Variant type: single nucleotide variant.
Coding change: c.12765G>C on transcript NM_206933.4 (MANE Select); coding-DNA position 12765, G replaced by C.
Protein change: p.Val4255=; no amino-acid change (valine 4255 retained).
Molecular consequence: synonymous variant.
Genome position (GRCh38, 1-based): chr1:215,675,146, C>G on the plus strand (G>C on the coding strand, the complement: USH2A is on the minus strand). VCF-style: chr1-215675146-C-G. GRCh37 (hg19) VCF-style: chr1-215848488-C-G.
Identifiers: ClinVar variation 512838 (VCV000512838.1), dbSNP rs1361278640, ClinGen allele CA423427856.

ClinVar aggregate classification (germline): Likely benign (1 of 4 stars; one submission).

Allele frequency attached by ClinVar (database versions not stated): TOPMed below 0.00001; gnomAD 0.00001.
gnomAD v4.1: 1 of 1,613,932 alleles (0.000062%); highest among the groups gnomAD compares: Non-Finnish European, 0.000085%; no homozygotes.

Submission:

GeneDx
Classification: Likely benign. Last evaluated: 2017-11-10. Review status: criteria provided, single submitter. Criteria: GeneDx Variant Classification (06012015). Collection method: clinical testing. Allele origin: germline. Affected: yes.
Comment: This variant is considered likely benign or benign based on one or more of the following criteria: it is a conservative change, it occurs at a poorly conserved position in the protein, it is predicted to be benign by multiple in silico algorithms, and/or has population frequency not consistent with disease.